The following is an entry in ClinVar:

ClinVar aggregate classification (germline): Likely benign (0 of 4 stars; one submission).

Conditions:
EPPK1-related disorder. Also called: EPPK1-related condition.

Allele frequency attached by ClinVar (database versions not stated): gnomAD exomes 0.00001; TOPMed 0.00001; ExAC 0.00008.
gnomAD v4.1: 11 of 1,567,448 alleles (0.0007%); highest among the groups gnomAD compares: Admixed American, 0.018%; no homozygotes.

Submission:

PreventionGenetics, part of Exact Sciences
Classification: Likely benign for EPPK1-related condition. Last evaluated: 2021-06-03. Review status: no assertion criteria provided. Collection method: clinical testing. Allele origin: germline.
Comment: This variant is classified as likely benign based on ACMG/AMP sequence variant interpretation guidelines (Richards et al. 2015 PMID: 25741868, with internal and published modifications).

NM_031308.4(EPPK1):c.3657T>C (p.Leu1219=)

Gene: EPPK1 (epiplakin 1; minus strand). Cytogenetic location: 8q24.3.
Variant type: single nucleotide variant.
Coding change: c.3657T>C on transcript NM_031308.4 (MANE Select); coding-DNA position 3657, T replaced by C.
Protein change: p.Leu1219=; no amino-acid change (leucine 1219 retained).
Molecular consequence: synonymous variant.
Genome position (GRCh38, 1-based): chr8:143,869,597, A>G on the plus strand (T>C on the coding strand, the complement: EPPK1 is on the minus strand). VCF-style: chr8-143869597-A-G. GRCh37 (hg19) VCF-style: chr8-144943765-A-G.
Identifiers: ClinVar variation 3030193 (VCV003030193.2), dbSNP rs782643341, ClinGen allele CA4922723.